The following is an entry in ClinVar:

NM_000701.8(ATP1A1):c.923T>G (p.Ile308Ser)

Gene: ATP1A1 (ATPase Na+/K+ transporting subunit alpha 1; plus strand). Cytogenetic location: 1p13.1.
Variant type: single nucleotide variant.
Coding change: c.923T>G on transcript NM_000701.8 (MANE Select); coding-DNA position 923, T replaced by G.
Protein change: p.Ile308Ser; replaces isoleucine 308 with serine.
Molecular consequence: missense variant.
Genome position (GRCh38, 1-based): chr1:116,389,607, T>G. VCF-style: chr1-116389607-T-G. GRCh37 (hg19) VCF-style: chr1-116932229-T-G.
Other names: c.923T>G, p.Ile308Ser (NM_001160233.2); c.830T>G, p.Ile277Ser (NM_001160234.2); short protein forms I277S, I308S.
Identifiers: ClinVar variation 3363603 (VCV003363603.2).

ClinVar aggregate classification (germline): Uncertain significance. Review status: criteria provided, multiple submitters, no conflicts (2 of 4 stars). 2 submissions from 2 submitters: Uncertain significance (2). Last evaluated 2025-07-21.

Submissions (2):

Labcorp Genetics (formerly Invitae), Labcorp
Classification: Uncertain significance. Last evaluated: 2025-07-21. Review status: criteria provided, single submitter. Criteria: Invitae Variant Classification Sherloc (09022015). Collection method: clinical testing. Allele origin: germline.
Comment: This sequence change replaces isoleucine, which is neutral and non-polar, with serine, which is neutral and polar, at codon 308 of the ATP1A1 protein (p.Ile308Ser). This variant is not present in population databases (gnomAD no frequency). This variant has not been reported in the literature in individuals affected with ATP1A1-related conditions. ClinVar contains an entry for this variant (Variation ID: 3363603). Invitae Evidence Modeling of protein sequence and biophysical properties (such as structural, functional, and spatial information, amino acid conservation, physicochemical variation, residue mobility, and thermodynamic stability) indicates that this missense variant is not expected to disrupt ATP1A1 protein function with a negative predictive value of 95%. In summary, the available evidence is currently insufficient to determine the role of this variant in disease. Therefore, it has been classified as a Variant of Uncertain Significance.

GeneDx
Classification: Uncertain significance. Last evaluated: 2023-10-30. Review status: criteria provided, single submitter. Criteria: GeneDx Variant Classification Process June 2021. Collection method: clinical testing. Allele origin: germline. Affected: yes.
Comment: Not observed at significant frequency in large population cohorts (gnomAD); In silico analysis supports that this missense variant has a deleterious effect on protein structure/function; Has not been previously published as pathogenic or benign to our knowledge